The following is an entry in ClinVar:

NM_001042492.3(NF1):c.6377T>C (p.Val2126Ala)

Gene: NF1 (neurofibromin 1; plus strand). Cytogenetic location: 17q11.2.
Variant type: single nucleotide variant.
Coding change: c.6377T>C on transcript NM_001042492.3 (MANE Select); coding-DNA position 6377, T replaced by C.
Protein change: p.Val2126Ala; replaces valine 2126 with alanine.
Molecular consequence: missense variant.
Genome position (GRCh38, 1-based): chr17:31,336,864, T>C. VCF-style: chr17-31336864-T-C. GRCh37 (hg19) VCF-style: chr17-29663882-T-C.
Other names: c.6314T>C, p.Val2105Ala (NM_000267.4); short protein forms V2126A, V2105A.
Identifiers: ClinVar variation 826318 (VCV000826318.7), dbSNP rs1597843145, ClinGen allele CA399012857.

ClinVar aggregate classification (germline): Uncertain significance. Review status: criteria provided, multiple submitters, no conflicts (2 of 4 stars). 2 submissions from 2 submitters: Uncertain significance (2). Last evaluated 2023-05-27.

Conditions:
Hereditary cancer-predisposing syndrome. Also called: Neoplastic Syndromes, Hereditary; Hereditary Cancer Syndrome; Hereditary neoplastic syndrome; Tumor predisposition. Identifiers: Orphanet 140162, MedGen C0027672, MeSH D009386, MONDO:0015356.
Cardiovascular phenotype. Identifiers: MedGen CN230736.
Neurofibromatosis, type 1 (NF1). Also called: Neurofibromatosis, type I; Peripheral type neurofibromatosis; VON RECKLINGHAUSEN DISEASE; NEUROFIBROMATOSIS, TYPE I, SOMATIC. Identifiers: Orphanet 636, MedGen C0027831, MONDO:0018975, OMIM 162200. Disease mechanism: loss of function.

Allele frequency attached by ClinVar (database versions not stated): gnomAD exomes below 0.00001; gnomAD 0.00001.
gnomAD v4.1: 3 of 1,613,310 alleles (0.00019%); highest among the groups gnomAD compares: Non-Finnish European, 0.00025%; no homozygotes.

Submissions (2):

Labcorp Genetics (formerly Invitae), Labcorp
Classification: Uncertain significance for Neurofibromatosis, type 1. Last evaluated: 2023-05-27. Review status: criteria provided, single submitter. Criteria: Invitae Variant Classification Sherloc (09022015). Collection method: clinical testing. Allele origin: germline.
Comment: This variant has not been reported in the literature in individuals affected with NF1-related conditions. This variant is not present in population databases (gnomAD no frequency). This sequence change replaces valine, which is neutral and non-polar, with alanine, which is neutral and non-polar, at codon 2105 of the NF1 protein (p.Val2105Ala). ClinVar contains an entry for this variant (Variation ID: 826318). In summary, the available evidence is currently insufficient to determine the role of this variant in disease. Therefore, it has been classified as a Variant of Uncertain Significance. Advanced modeling of protein sequence and biophysical properties (such as structural, functional, and spatial information, amino acid conservation, physicochemical variation, residue mobility, and thermodynamic stability) performed at Invitae indicates that this missense variant is expected to disrupt NF1 protein function.

Ambry Genetics
Classification: Uncertain significance for Cardiovascular phenotype; Hereditary cancer-predisposing syndrome. Last evaluated: 2021-05-07. Review status: criteria provided, single submitter. Criteria: Ambry Variant Classification Scheme 2023. Collection method: clinical testing. Allele origin: germline.
Comment: The p.V2105A variant (also known as c.6314T>C), located in coding exon 41 of the NF1 gene, results from a T to C substitution at nucleotide position 6314. The valine at codon 2105 is replaced by alanine, an amino acid with similar properties. This amino acid position is highly conserved in available vertebrate species. In addition, this alteration is predicted to be deleterious by in silico analysis. Since supporting evidence is limited at this time, the clinical significance of this alteration remains unclear.